The following is an entry in ClinVar:

ClinVar aggregate classification (germline): Pathogenic (1 of 4 stars; one submission).

Conditions:
Developmental and epileptic encephalopathy, 11 (DEE11). Also called: Early infantile epileptic encephalopathy 11. Identifiers: Orphanet 1934, MedGen C3150987, MONDO:0013388, OMIM 613721.
Seizures, benign familial infantile, 3 (BFIS3). Also called: CONVULSIONS, BENIGN FAMILIAL INFANTILE, 3; Familial neonatal seizures. Identifiers: Orphanet 140927, Orphanet 306, MedGen C1843140, MONDO:0011904, OMIM 607745.

Submission:

Labcorp Genetics (formerly Invitae), Labcorp
Classification: Pathogenic for Seizures, benign familial infantile, 3; Developmental and epileptic encephalopathy, 11. Last evaluated: 2024-03-13. Review status: criteria provided, single submitter. Criteria: Invitae Variant Classification Sherloc (09022015). Collection method: clinical testing. Allele origin: germline.
Comment: This sequence change replaces phenylalanine, which is neutral and non-polar, with cysteine, which is neutral and slightly polar, at codon 928 of the SCN2A protein (p.Phe928Cys). This variant is not present in population databases (gnomAD no frequency). This missense change has been observed in individual(s) with benign familial neonatal-infantile seizures (PMID: 26291284). In at least one individual the variant was observed to be de novo. Advanced modeling of protein sequence and biophysical properties (such as structural, functional, and spatial information, amino acid conservation, physicochemical variation, residue mobility, and thermodynamic stability) performed at Invitae indicates that this missense variant is expected to disrupt SCN2A protein function with a positive predictive value of 95%. For these reasons, this variant has been classified as Pathogenic.

Literature cited by the submitters: PubMed 26291284.

NM_001040142.2(SCN2A):c.2783T>G (p.Phe928Cys)

Gene: SCN2A (sodium voltage-gated channel alpha subunit 2; plus strand). Cytogenetic location: 2q24.3.
Variant type: single nucleotide variant.
Coding change: c.2783T>G on transcript NM_001040142.2 (MANE Select); coding-DNA position 2783, T replaced by G.
Protein change: p.Phe928Cys; replaces phenylalanine 928 with cysteine.
Molecular consequence: missense variant.
Genome position (GRCh38, 1-based): chr2:165,344,775, T>G. VCF-style: chr2-165344775-T-G. GRCh37 (hg19) VCF-style: chr2-166201285-T-G.
Other names: c.2783T>G, p.Phe928Cys (NM_001371247.1, NM_021007.3, NM_001040143.2 and 1 more transcripts); short protein forms F928C.
Identifiers: ClinVar variation 3759060 (VCV003759060.2).